The following is an entry in ClinVar:

ClinVar aggregate classification (germline): Benign. Review status: criteria provided, multiple submitters, no conflicts (2 of 4 stars). 2 submissions from 2 submitters: Benign (2). Last evaluated 2018-01-12.

Conditions:
Disorders of Intracellular Cobalamin Metabolism. Identifiers: MedGen CN043592.

Allele frequency attached by ClinVar (database versions not stated): gnomAD 0.06368 and 0.06512; TOPMed 0.07410; 1000 Genomes Project 0.10643; 1000 Genomes Project 30x 0.10884.

Submissions (2):

Illumina Laboratory Services, Illumina
Classification: Benign for Disorders of Intracellular Cobalamin Metabolism. Last evaluated: 2018-01-12. Review status: criteria provided, single submitter. Criteria: ICSL Variant Classification Criteria 13 December 2019. Collection method: clinical testing. Allele origin: germline.
Comment: This variant was observed in the ICSL laboratory as part of a predisposition screen in an ostensibly healthy population. It had not been previously curated by ICSL or reported in the Human Gene Mutation Database (HGMD: prior to June 1st, 2018), and was therefore a candidate for classification through an automated scoring system. Utilizing variant allele frequency, disease prevalence and penetrance estimates, and inheritance mode, an automated score was calculated to assess if this variant is too frequent to cause the disease. Based on the score and internal cut-off values, a variant classified as benign is not then subjected to further curation. The score for this variant resulted in a classification of benign for this disease.

Breakthrough Genomics
Classification: Benign. Review status: criteria provided, single submitter. Criteria: ACMG Guidelines, 2015. Collection method: not provided. Allele origin: germline. Inheritance: Autosomal recessive inheritance. Affected: yes.

NM_000254.3(MTR):c.*1488T>C

Gene: MTR (5-methyltetrahydrofolate-homocysteine methyltransferase; plus strand). Cytogenetic location: 1q43.
Variant type: single nucleotide variant.
Coding change: c.*1488T>C on transcript NM_000254.3 (MANE Select); 1488 bases downstream of the stop codon, T replaced by C.
Molecular consequence: 3 prime UTR variant.
Genome position (GRCh38, 1-based): chr1:236,899,132, T>C. VCF-style: chr1-236899132-T-C. GRCh37 (hg19) VCF-style: chr1-237062432-T-C.
Other names: c.*1488T>C (NM_001291939.1, NM_001291940.2).
Identifiers: ClinVar variation 296615 (VCV000296615.6), dbSNP rs3768160, ClinGen allele CA10609500.